The following is an entry in ClinVar:

NM_032383.5(HPS3):c.2081G>T (p.Arg694Ile)

Gene: HPS3 (HPS3 biogenesis of lysosomal organelles complex 2 subunit 1; plus strand). Cytogenetic location: 3q24.
Variant type: single nucleotide variant.
Coding change: c.2081G>T on transcript NM_032383.5 (MANE Select); coding-DNA position 2081, G replaced by T.
Protein change: p.Arg694Ile; replaces arginine 694 with isoleucine.
Molecular consequence: missense variant.
Genome position (GRCh38, 1-based): chr3:149,160,254, G>T. VCF-style: chr3-149160254-G-T. GRCh37 (hg19) VCF-style: chr3-148878041-G-T.
Other names: c.1586G>T, p.Arg529Ile (NM_001308258.2); short protein forms R694I, R529I.
Identifiers: ClinVar variation 1483034 (VCV001483034.3), dbSNP rs1260037693, ClinGen allele CA354923690.

ClinVar aggregate classification (germline): Uncertain significance (1 of 4 stars; one submission).

Allele frequency attached by ClinVar (database versions not stated): gnomAD 0.00001; gnomAD exomes 0.00001.
gnomAD v4.1: 11 of 1,613,098 alleles (0.00068%); highest among the groups gnomAD compares: South Asian, 0.011%; 1 homozygote.

Submission:

Labcorp Genetics (formerly Invitae), Labcorp
Classification: Uncertain significance. Last evaluated: 2021-11-05. Review status: criteria provided, single submitter. Criteria: Invitae Variant Classification Sherloc (09022015). Collection method: clinical testing. Allele origin: germline.
Comment: This sequence change replaces arginine, which is basic and polar, with isoleucine, which is neutral and non-polar, at codon 694 of the HPS3 protein (p.Arg694Ile). This variant is present in population databases (no rsID available, gnomAD 0.006%). This variant has not been reported in the literature in individuals affected with HPS3-related conditions. Algorithms developed to predict the effect of missense changes on protein structure and function are either unavailable or do not agree on the potential impact of this missense change (SIFT: "Tolerated"; PolyPhen-2: "Probably Damaging"; Align-GVGD: "Class C0"). In summary, the available evidence is currently insufficient to determine the role of this variant in disease. Therefore, it has been classified as a Variant of Uncertain Significance.